The following is an entry in ClinVar:

ClinVar aggregate classification (germline): Benign/Likely benign. Review status: criteria provided, multiple submitters, no conflicts (2 of 4 stars). 6 submissions from 6 submitters: Benign (4); Likely benign (2). Last evaluated 2026-02-01.

Conditions:
3-methylglutaconic aciduria with deafness, encephalopathy, and Leigh-like syndrome (MEGDEL). Also called: SERAC1 Deficiency; 3-METHYLGLUTACONIC ACIDURIA, TYPE VI; MEGDEL syndrome. Identifiers: Orphanet 352328, MedGen C4040739, MONDO:0013875, OMIM 614739.

Allele frequency attached by ClinVar (database versions not stated): TOPMed 0.00785; ESP Exome Variant Server 0.00907; 1000 Genomes Project 30x 0.00921; 1000 Genomes Project 0.00958.
gnomAD v4.1: 2,079 of 1,614,084 alleles (0.13%); highest among the groups gnomAD compares: African/African-American, 2.4%; 25 homozygotes.

Submissions (6):

Labcorp Genetics (formerly Invitae), Labcorp
Classification: Benign for 3-methylglutaconic aciduria with deafness, encephalopathy, and Leigh-like syndrome. Last evaluated: 2026-02-01. Review status: criteria provided, single submitter. Criteria: Invitae Variant Classification Sherloc (09022015). Collection method: clinical testing. Allele origin: germline.

Genomic Medicine Center of Excellence, King Faisal Specialist Hospital and Research Centre
Classification: Likely benign. Last evaluated: 2025-08-18. Review status: criteria provided, single submitter. Criteria: ACMG Guidelines, 2015. Collection method: clinical testing. Allele origin: germline.

Genome-Nilou Lab
Classification: Benign for 3-methylglutaconic aciduria with deafness, encephalopathy, and Leigh-like syndrome. Last evaluated: 2022-03-15. Review status: criteria provided, single submitter. Criteria: ACMG Guidelines, 2015. Collection method: clinical testing. Allele origin: germline. Affected: no.

Fulgent Genetics
Classification: Likely benign for 3-methylglutaconic aciduria with deafness, encephalopathy, and Leigh-like syndrome. Last evaluated: 2021-10-08. Review status: criteria provided, single submitter. Criteria: ACMG Guidelines, 2015. Collection method: clinical testing. Allele origin: unknown.

Mayo Clinic Laboratories, Mayo Clinic
Classification: Benign. Last evaluated: 2020-10-15. Review status: criteria provided, single submitter. Criteria: ACMG Guidelines, 2015. Collection method: clinical testing. Allele origin: germline. Observed: 10 variant alleles.

GeneDx
Classification: Benign. Last evaluated: 2015-03-24. Review status: criteria provided, single submitter. Criteria: GeneDx Variant Classification (06012015). Collection method: clinical testing. Allele origin: germline. Affected: yes.
Comment: This variant is considered likely benign or benign based on one or more of the following criteria: it is a conservative change, it occurs at a poorly conserved position in the protein, it is predicted to be benign by multiple in silico algorithms, and/or has population frequency not consistent with disease.

NM_032861.4(SERAC1):c.1396A>T (p.Met466Leu)

Gene: SERAC1 (serine active site containing 1; minus strand). Cytogenetic location: 6q25.3.
Variant type: single nucleotide variant.
Coding change: c.1396A>T on transcript NM_032861.4 (MANE Select); coding-DNA position 1396, A replaced by T.
Protein change: p.Met466Leu; replaces methionine 466 with leucine.
Molecular consequence: missense variant.
Genome position (GRCh38, 1-based): chr6:158,117,734, T>A on the plus strand (A>T on the coding strand, the complement: SERAC1 is on the minus strand). VCF-style: chr6-158117734-T-A. GRCh37 (hg19) VCF-style: chr6-158538766-T-A.
Other names: p.Met466Leu; short protein forms M466L.
Identifiers: ClinVar variation 378570 (VCV000378570.15), dbSNP rs115459512, ClinGen allele CA4071110.
Genomic context (GRCh38, chr6:158,117,734, plus strand): 5'-ACTTGCGGCCTGAATTCTTCCCTGTCCTCCTGGTCTAAAGTCGCCTCTGTTACCTTTCCA[T>A]AGGGCACCTTGCTCTCCAGTCGCTGAGGCTGGTGTCATACTCCACAGATATAATTCGGAG-3'
Protein context (NP_116250.3, residues 456-476): SLSDWRARCP[Met466Leu]ERKSIAFRSN